The following is an entry in ClinVar:

ClinVar aggregate classification (germline): Likely pathogenic (1 of 4 stars; one submission).

Conditions:
Kabuki syndrome 2 (KABUK2). Also called: KDM6A-Related Kabuki Syndrome. Identifiers: Orphanet 2322, MedGen C3275495, MONDO:0010465, OMIM 300867.

Submission:

Labcorp Genetics (formerly Invitae), Labcorp
Classification: Likely pathogenic for Kabuki syndrome 2. Last evaluated: 2022-02-18. Review status: criteria provided, single submitter. Criteria: Invitae Variant Classification Sherloc (09022015). Collection method: clinical testing. Allele origin: germline.
Comment: In summary, the currently available evidence indicates that the variant is pathogenic, but additional data are needed to prove that conclusively. Therefore, this variant has been classified as Likely Pathogenic. Algorithms developed to predict the effect of sequence changes on RNA splicing suggest that this variant may disrupt the consensus splice site. This variant has not been reported in the literature in individuals affected with KDM6A-related conditions. This variant is not present in population databases (gnomAD no frequency). This sequence change affects a donor splice site in intron 15 of the KDM6A gene. It is expected to disrupt RNA splicing. Variants that disrupt the donor or acceptor splice site typically lead to a loss of protein function (PMID: 16199547), and loss-of-function variants in KDM6A are known to be pathogenic (PMID: 23076834, 23913813).

Literature cited by the submitters: PubMed 16199547; PubMed 23076834; PubMed 23913813.

NM_001291415.2(KDM6A):c.1683+1G>T

Gene: KDM6A (lysine demethylase 6A; plus strand). Cytogenetic location: Xp11.3.
Variant type: single nucleotide variant.
Coding change: c.1683+1G>T on transcript NM_001291415.2 (MANE Select); the canonical splice donor site of the intron after coding-DNA position 1683, G replaced by T.
Molecular consequence: splice donor variant. On other transcripts: intron variant (2).
Genome position (GRCh38, 1-based): chrX:45,062,749, G>T. VCF-style: chrX-45062749-G-T. GRCh37 (hg19) VCF-style: chrX-44921994-G-T.
Other names: c.1527+1G>T (NM_021140.4); c.1426-673G>T (NM_001410742.1); c.1548+1G>T (NM_001291416.2); c.1392+1G>T (NM_001291417.2); c.1291-673G>T (NM_001291418.2); c.639+1G>T (NM_001291421.2).
Identifiers: ClinVar variation 2098999 (VCV002098999.4), dbSNP rs1569533871, ClinGen allele CA412787386.